The following is an entry in ClinVar:

NM_000531.6(OTC):c.929A>G (p.Glu310Gly)

Gene: OTC (ornithine transcarbamylase; plus strand). Cytogenetic location: Xp11.4.
Variant type: single nucleotide variant.
Coding change: c.929A>G on transcript NM_000531.6 (MANE Select); coding-DNA position 929, A replaced by G.
Protein change: p.Glu310Gly; replaces glutamic acid 310 with glycine.
Molecular consequence: missense variant.
Genome position (GRCh38, 1-based): chrX:38,411,923, A>G. VCF-style: chrX-38411923-A-G. GRCh37 (hg19) VCF-style: chrX-38271176-A-G.
Other names: short protein forms E310G.
Identifiers: ClinVar variation 97362 (VCV000097362.2), dbSNP rs72558467, ClinGen allele CA224840.
Genomic context (GRCh38, chrX:38,411,923, plus strand): 5'-CTGCTAAAGTTGCTGCCTCTGACTGGACATTTTTACACTGCTTGCCCAGAAAGCCAGAAG[A>G]AGTGGATGATGAAGTCTTTTATTCTCCTCGATCACTAGTGTTCCCAGAGGCAGAAAACAG-3'
Protein context (NP_000522.3, residues 300-320): FLHCLPRKPE[Glu310Gly]VDDEVFYSPR

ClinVar aggregate classification (germline): Pathogenic (0 of 4 stars; one submission).

Submission:

GenMed Metabolism Lab
Classification: Pathogenic. Review status: no assertion criteria provided. Collection method: not provided. Allele origin: unknown.
Comment: p.Glu310Gly, Late
ClinVar note: Converted during submission from pathogenic to Pathogenic.